The following is an entry in ClinVar:

ClinVar aggregate classification (germline): Uncertain significance (1 of 4 stars; one submission).

Conditions:
Primary ciliary dyskinesia. Also called: Ciliary dyskinesia. Identifiers: Orphanet 244, MedGen C0008780, MONDO:0016575, HP:0012265.

Submission:

Labcorp Genetics (formerly Invitae), Labcorp
Classification: Uncertain significance for Primary ciliary dyskinesia. Last evaluated: 2022-02-17. Review status: criteria provided, single submitter. Criteria: Invitae Variant Classification Sherloc (09022015). Collection method: clinical testing. Allele origin: germline.
Comment: This sequence change replaces proline, which is neutral and non-polar, with serine, which is neutral and polar, at codon 729 of the DNAH8 protein (p.Pro729Ser). This variant is not present in population databases (gnomAD no frequency). This variant has not been reported in the literature in individuals affected with DNAH8-related conditions. Algorithms developed to predict the effect of missense changes on protein structure and function are either unavailable or do not agree on the potential impact of this missense change (SIFT: "Deleterious"; PolyPhen-2: "Not Available"; Align-GVGD: "Class C0"). In summary, the available evidence is currently insufficient to determine the role of this variant in disease. Therefore, it has been classified as a Variant of Uncertain Significance.

NM_001206927.2(DNAH8):c.2185C>T (p.Pro729Ser)

Gene: DNAH8 (dynein axonemal heavy chain 8; plus strand). Cytogenetic location: 6p21.2.
Variant type: single nucleotide variant.
Coding change: c.2185C>T on transcript NM_001206927.2 (MANE Select); coding-DNA position 2185, C replaced by T.
Protein change: p.Pro729Ser; replaces proline 729 with serine.
Molecular consequence: missense variant.
Genome position (GRCh38, 1-based): chr6:38,781,299, C>T. VCF-style: chr6-38781299-C-T. GRCh37 (hg19) VCF-style: chr6-38749075-C-T.
Other names: c.1534C>T, p.Pro512Ser (NM_001371.4); short protein forms P512S, P729S.
Identifiers: ClinVar variation 2050931 (VCV002050931.4), dbSNP rs866179461, ClinGen allele CA137570470.